The following is an entry in ClinVar:

ClinVar aggregate classification (germline): Uncertain significance (1 of 4 stars; one submission).

Submission:

Labcorp Genetics (formerly Invitae), Labcorp
Classification: Uncertain significance. Last evaluated: 2023-08-29. Review status: criteria provided, single submitter. Criteria: Invitae Variant Classification Sherloc (09022015). Collection method: clinical testing. Allele origin: germline.
Comment: In summary, the available evidence is currently insufficient to determine the role of this variant in disease. Therefore, it has been classified as a Variant of Uncertain Significance. Algorithms developed to predict the effect of missense changes on protein structure and function output the following: SIFT: "Not Available"; PolyPhen-2: "Benign"; Align-GVGD: "Not Available". The histidine amino acid residue is found in multiple mammalian species, which suggests that this missense change does not adversely affect protein function. This variant has not been reported in the literature in individuals affected with DHX32-related conditions. This variant is present in population databases (no rsID available, gnomAD 0.006%). This sequence change replaces glutamine, which is neutral and polar, with histidine, which is basic and polar, at codon 711 of the DHX32 protein (p.Gln711His).

NM_018180.3(DHX32):c.2133G>C (p.Gln711His)

Genes: BCCIP (BRCA2 and CDKN1A interacting protein; plus strand), DHX32 (DEAH-box helicase 32 (putative); minus strand). Cytogenetic location: 10q26.2.
Variant type: single nucleotide variant.
Coding change: c.2133G>C on transcript NM_018180.3 (MANE Select); coding-DNA position 2133, G replaced by C.
Protein change: p.Gln711His; replaces glutamine 711 with histidine.
Molecular consequence: missense variant. On other transcripts: intron variant (2).
Genome position (GRCh38, 1-based): chr10:125,836,786, C>G on the plus strand (G>C on the coding strand, the complement: DHX32 is on the minus strand). VCF-style: chr10-125836786-C-G. GRCh37 (hg19) VCF-style: chr10-127525355-C-G.
Other names: c.774+2840C>G (NM_016567.4, NM_078469.3); short protein forms Q711H.
Identifiers: ClinVar variation 2867371 (VCV002867371.3), dbSNP rs1486818513, ClinGen allele CA378671362.